The following is an entry in ClinVar:

NM_000891.3(KCNJ2):c.954T>G (p.Asn318Lys)

Gene: KCNJ2 (potassium inwardly rectifying channel subfamily J member 2; plus strand). Cytogenetic location: 17q24.3.
Variant type: single nucleotide variant.
Coding change: c.954T>G on transcript NM_000891.3 (MANE Select); coding-DNA position 954, T replaced by G.
Protein change: p.Asn318Lys; replaces asparagine 318 with lysine.
Molecular consequence: missense variant.
Genome position (GRCh38, 1-based): chr17:70,175,993, T>G. VCF-style: chr17-70175993-T-G. GRCh37 (hg19) VCF-style: chr17-68172134-T-G.
Other names: short protein forms N318K.
Identifiers: ClinVar variation 2923238 (VCV002923238.3), dbSNP rs1348116162, ClinGen allele CA400862819.
Genomic context (GRCh38, chr17:70,175,993, plus strand): 5'-GGAAGGCATGGTGGAAGCCACTGCCATGACGACACAGTGCCGTAGCTCTTATCTAGCAAA[T>G]GAAATCCTGTGGGGCCACCGCTATGAGCCTGTGCTCTTTGAAGAGAAGCACTACTACAAA-3'
Protein context (NP_000882.1, residues 308-328): TTQCRSSYLA[Asn318Lys]EILWGHRYEP

ClinVar aggregate classification (germline): Uncertain significance (1 of 4 stars; one submission).

Conditions:
Andersen Tawil syndrome (LQT7). Also called: ANDERSEN CARDIODYSRHYTHMIC PERIODIC PARALYSIS; PERIODIC PARALYSIS, POTASSIUM-SENSITIVE CARDIODYSRHYTHMIC TYPE; Andersen Syndrome; Potassium-sensitive periodic paralysis, ventricular ectopy, and dysmorphic features; LONG QT SYNDROME 7. Identifiers: Orphanet 37553, MedGen C1563715, MONDO:0008222, OMIM 170390.
Short QT syndrome type 3. Identifiers: Orphanet 51083, MedGen C1865018, MONDO:0012314, OMIM 609622.

Allele frequency attached by ClinVar (database versions not stated): TOPMed below 0.00001.

Submission:

Labcorp Genetics (formerly Invitae), Labcorp
Classification: Uncertain significance for Short QT syndrome type 3; Andersen Tawil syndrome. Last evaluated: 2022-11-23. Review status: criteria provided, single submitter. Criteria: Invitae Variant Classification Sherloc (09022015). Collection method: clinical testing. Allele origin: germline.
Comment: This variant is not present in population databases (gnomAD no frequency). In summary, the available evidence is currently insufficient to determine the role of this variant in disease. Therefore, it has been classified as a Variant of Uncertain Significance. Advanced modeling of protein sequence and biophysical properties (such as structural, functional, and spatial information, amino acid conservation, physicochemical variation, residue mobility, and thermodynamic stability) performed at Invitae indicates that this missense variant is not expected to disrupt KCNJ2 protein function. This variant has not been reported in the literature in individuals affected with KCNJ2-related conditions. This sequence change replaces asparagine, which is neutral and polar, with lysine, which is basic and polar, at codon 318 of the KCNJ2 protein (p.Asn318Lys).